The following is an entry in ClinVar:

ClinVar aggregate classification (germline): Uncertain significance. Review status: criteria provided, multiple submitters, no conflicts (2 of 4 stars). 2 submissions from 2 submitters: Uncertain significance (2). Last evaluated 2025-10-30.

Conditions:
Wilms tumor 1 (WT1). Also called: Wilms tumor, somatic. Identifiers: Orphanet 654, MedGen CN033288, MONDO:0008679, OMIM 194070.
Inborn genetic diseases. Identifiers: MedGen C0950123, MeSH D030342.

gnomAD v4.1: 2 of 1,532,620 alleles (0.00013%); highest among the groups gnomAD compares: Non-Finnish European, 0.00017%; no homozygotes.

Submissions (2):

Ambry Genetics
Classification: Uncertain significance for Inborn genetic diseases. Last evaluated: 2025-10-30. Review status: criteria provided, single submitter. Criteria: Ambry Variant Classification Scheme 2023. Collection method: clinical testing. Allele origin: germline.
Comment: The p.P10S variant (also known as c.28C>T), located in coding exon 1 of the WT1 gene, results from a C to T substitution at nucleotide position 28. The proline at codon 10 is replaced by serine, an amino acid with similar properties. This amino acid position is conserved. In addition, this alteration is predicted to be tolerated by in silico analysis. Based on the available evidence, the clinical significance of this variant remains unclear.

All of Us Research Program, National Institutes of Health
Classification: Uncertain significance for Wilms tumor 1. Last evaluated: 2024-07-10. Review status: criteria provided, single submitter. Criteria: ACMG Guidelines, 2015. Collection method: clinical testing. Allele origin: germline. Inheritance: Autosomal dominant inheritance. Observed: 1 variant allele, 1 heterozygote.
Comment: This missense variant replaces proline with serine at codon 10 of the WT1 protein. Computational prediction suggests that this variant may not impact protein structure and function (internally defined REVEL score threshold <= 0.5, PMID: 27666373). To our knowledge, functional studies have not been reported for this variant. This variant has not been reported in individuals affected with WT1-related disorders in the literature. This variant has not been identified in the general population by the Genome Aggregation Database (gnomAD). The available evidence is insufficient to determine the role of this variant in disease conclusively. Therefore, this variant is classified as a Variant of Uncertain Significance.

This study involves interpretation of variants in research participants for the purpose of population health screening. Participant phenotype was not available at the time of variant classification. Additional details can be found in publication PMID: 35346344, PMCID: PMC8962531

NM_024426.6(WT1):c.43C>T (p.Pro15Ser)

Genes: WT1 (WT1 transcription factor; minus strand), LOC107982234 (WT1/WT1-AS bi-directional promoter region; plus strand). Cytogenetic location: 11p13.
Variant type: single nucleotide variant.
Coding change: c.43C>T on transcript NM_024426.6 (MANE Select); coding-DNA position 43, C replaced by T.
Protein change: p.Pro15Ser; replaces proline 15 with serine.
Molecular consequence: missense variant. On other transcripts: 5 prime UTR variant (4), non-coding transcript variant (2).
Genome position (GRCh38, 1-based): chr11:32,435,318, G>A on the plus strand (C>T on the coding strand, the complement: WT1 is on the minus strand). VCF-style: chr11-32435318-G-A. GRCh37 (hg19) VCF-style: chr11-32456864-G-A.
Other names: c.28C>T (NM_024426.4); c.43C>T, p.Pro15Ser (NM_000378.6, NM_001407044.1, NM_001407045.1 and 6 more transcripts); c.-177C>T (NM_001429031.1, NM_001429032.1, NM_001429033.1 and 1 more transcripts); short protein forms P10S, P15S.
Identifiers: ClinVar variation 3386211 (VCV003386211.2).